The following is an entry in ClinVar:

ClinVar aggregate classification (germline): Likely pathogenic (1 of 4 stars; one submission).

Submission:

Quest Diagnostics Nichols Institute San Juan Capistrano
Classification: Likely pathogenic. Last evaluated: 2020-08-19. Review status: criteria provided, single submitter. Criteria: Quest Diagnostics criteria. Collection method: clinical testing. Allele origin: unknown.
Comment: The variant results in a shift of the reading frame, and is therefore predicted to result in the loss of a functional protein. Not found in the total gnomAD dataset, and the data is high quality.

NM_000518.5(HBB):c.378_379del (p.Val127fs)

Genes: HBB (hemoglobin subunit beta; minus strand), LOC110006319 (beta-globin gene 3' regulatory region; plus strand), LOC107133510 (origin of replication at HBB; plus strand). Cytogenetic location: 11p15.4.
Variant type: Deletion.
Coding change: c.378_379del on transcript NM_000518.5 (MANE Select); coding-DNA positions 378 to 379, 2 bases deleted (AG; older notation c.378_379delAG).
Protein change: p.Val127fs; shifts the reading frame from valine 127.
Molecular consequence: frameshift variant.
Genome position (GRCh38, 1-based): chr11:5,225,663-5,225,664, CT deleted on the plus strand (AG on the coding strand, the reverse complement: HBB is on the minus strand). VCF-style (leftmost placement, unchanged base first): chr11-5225662-ACT-A. GRCh37 (hg19) VCF-style: chr11-5246892-ACT-A.
Other names: short protein forms V127fs.
Identifiers: ClinVar variation 993110 (VCV000993110.1), dbSNP rs1847527770, ClinGen allele CA1139661788.